The following is an entry in ClinVar:

ClinVar aggregate classification (germline): Uncertain significance (1 of 4 stars; one submission).

Conditions:
Hereditary cancer-predisposing syndrome. Also called: Neoplastic Syndromes, Hereditary; Tumor predisposition; Hereditary Cancer Syndrome; Hereditary neoplastic syndrome. Identifiers: Orphanet 140162, MedGen C0027672, MeSH D009386, MONDO:0015356.

Submission:

Ambry Genetics
Classification: Uncertain significance for Hereditary cancer-predisposing syndrome. Last evaluated: 2025-10-22. Review status: criteria provided, single submitter. Criteria: Ambry Variant Classification Scheme 2023. Collection method: clinical testing. Allele origin: germline.
Comment: The p.P246R variant (also known as c.737C>G), located in coding exon 1 of the MET gene, results from a C to G substitution at nucleotide position 737. The proline at codon 246 is replaced by arginine, an amino acid with dissimilar properties. This amino acid position is conserved. In addition, the in silico prediction for this alteration is inconclusive. Based on the available evidence, the clinical significance of this variant remains unclear.

NM_000245.4(MET):c.737C>G (p.Pro246Arg)

Gene: MET (MET proto-oncogene, receptor tyrosine kinase; plus strand). Cytogenetic location: 7q31.2.
Variant type: single nucleotide variant.
Coding change: c.737C>G on transcript NM_000245.4 (MANE Select); coding-DNA position 737, C replaced by G.
Protein change: p.Pro246Arg; replaces proline 246 with arginine.
Molecular consequence: missense variant. On other transcripts: intron variant (1).
Genome position (GRCh38, 1-based): chr7:116,699,821, C>G. VCF-style: chr7-116699821-C-G. GRCh37 (hg19) VCF-style: chr7-116339875-C-G.
Other names: c.737C>G, p.Pro246Arg (NM_001127500.3, NM_001324401.3); c.-91+27244C>G (NM_001324402.2); short protein forms P246R.
Identifiers: ClinVar variation 4647863 (VCV004647863.1).
Genomic context (GRCh38, chr7:116,699,821, plus strand): 5'-TTATGTTTTTGACGGACCAGTCCTACATTGATGTTTTACCTGAGTTCAGAGATTCTTACC[C>G]CATTAAGTATGTCCATGCCTTTGAAAGCAACAATTTTATTTACTTCTTGACGGTCCAAAG-3'
Protein context (NP_000236.2, residues 236-256): DVLPEFRDSY[Pro246Arg]IKYVHAFESN